The following is an entry in ClinVar:

NM_025114.4(CEP290):c.2827A>G (p.Ile943Val)

Gene: CEP290 (centrosomal protein 290; minus strand). Cytogenetic location: 12q21.32.
Variant type: single nucleotide variant.
Coding change: c.2827A>G on transcript NM_025114.4 (MANE Select); coding-DNA position 2827, A replaced by G.
Protein change: p.Ile943Val; replaces isoleucine 943 with valine.
Molecular consequence: missense variant.
Genome position (GRCh38, 1-based): chr12:88,103,002, T>C on the plus strand (A>G on the coding strand, the complement: CEP290 is on the minus strand). VCF-style: chr12-88103002-T-C. GRCh37 (hg19) VCF-style: chr12-88496779-T-C.
Other names: p.I943V:ATT>GTT; p.Ile943Val; short protein forms I943V.
Identifiers: ClinVar variation 100594 (VCV000100594.30), dbSNP rs75220808, ClinGen allele CA285829.

ClinVar aggregate classification (germline): Benign/Likely benign. Review status: criteria provided, multiple submitters, no conflicts (2 of 4 stars). 13 submissions from 9 submitters: Benign (8); Likely benign (4). 1 of the submissions does not count toward it. Last evaluated 2026-02-02.

Conditions:
Kidney disorder. Also called: Nephropathy; Kidney Diseases; renal disease; renal disorder; Kidney disease. Identifiers: MedGen C0022658, MONDO:0005240, HP:0000112.
Meckel-Gruber syndrome. Also called: DYSENCEPHALIA SPLANCHNOCYSTICA; GRUBER SYNDROME; Dysencephalia splachnocystica. Identifiers: Orphanet 564, MedGen C0265215, MONDO:0018921.
Nephronophthisis. Also called: Juvenile Nephronophthisis. Identifiers: Orphanet 655, MedGen C0687120, MONDO:0019005, HP:0000090.
Joubert syndrome. Also called: CEREBELLOPARENCHYMAL DISORDER IV; Familial aplasia of the vermis; JOUBERT-BOLTSHAUSER SYNDROME. Identifiers: Orphanet 475, MedGen C5979921, MONDO:0018772.
Meckel syndrome, type 4 (MKS4). Also called: MECKEL-GRUBER SYNDROME, TYPE 4. Identifiers: Orphanet 564, MedGen C1970161, MONDO:0012626, OMIM 611134.
Bardet-Biedl syndrome 14 (BBS14). Identifiers: Orphanet 110, MedGen C2673874, MONDO:0014442, OMIM 615991.
Leber congenital amaurosis 10 (LCA10). Identifiers: Orphanet 65, MedGen C1857821, MONDO:0012723, OMIM 611755.
Senior-Loken syndrome 6 (SLSN6). Identifiers: Orphanet 3156, MedGen C1857779, MONDO:0012433, OMIM 610189.
Joubert syndrome 5 (JBTS5). Identifiers: Orphanet 2318, MedGen C1857780, MONDO:0012432, OMIM 610188.

Allele frequency attached by ClinVar (database versions not stated): gnomAD exomes 0.00056 and 0.00178; ExAC 0.00331; ESP Exome Variant Server 0.00618; gnomAD 0.00637 and 0.00678; TOPMed 0.00698; 1000 Genomes Project 0.00879; 1000 Genomes Project 30x 0.00937.
gnomAD v4.1: 1,779 of 1,549,086 alleles (0.11%); highest among the groups gnomAD compares: African/African-American, 2.2%; 22 homozygotes.

Submissions (13):

Labcorp Genetics (formerly Invitae), Labcorp
Classification: Benign for Joubert syndrome; Meckel-Gruber syndrome; Nephronophthisis. Last evaluated: 2026-02-02. Review status: criteria provided, single submitter. Criteria: Invitae Variant Classification Sherloc (09022015). Collection method: clinical testing. Allele origin: germline.

Mayo Clinic Laboratories, Mayo Clinic
Classification: Benign. Last evaluated: 2024-12-27. Review status: criteria provided, single submitter. Criteria: ACMG Guidelines, 2015. Collection method: clinical testing. Allele origin: germline. Observed: 1 variant allele.
Comment: BS1, BS2, BP4

ARUP Laboratories, Molecular Genetics and Genomics, ARUP Laboratories
Classification: Likely benign. Last evaluated: 2023-11-06. Review status: criteria provided, single submitter. Criteria: ARUP Molecular Germline Variant Investigation Process 2024. Collection method: clinical testing. Allele origin: germline.

Genome Diagnostics Laboratory, The Hospital for Sick Children
Classification: Likely benign for Kidney disorder. Last evaluated: 2018-06-01. Review status: criteria provided, single submitter. Criteria: ACMG Guidelines, 2015. Collection method: clinical testing. Allele origin: germline.

Illumina Laboratory Services, Illumina
Classification: Benign for Senior-Loken syndrome 6. Last evaluated: 2017-04-27. Review status: criteria provided, single submitter. Criteria: ICSL Variant Classification Criteria 13 December 2019. Collection method: clinical testing. Allele origin: germline.
Comment: This variant was observed as part of a predisposition screen in an ostensibly healthy population. A literature search was performed for the gene, cDNA change, and amino acid change (where applicable). No publications were found based on this search. Allele frequency data from public databases was too high to be consistent with this variant causing disease. Therefore, this variant is classified as benign.

Illumina Laboratory Services, Illumina
Classification: Benign for Leber congenital amaurosis 10. Last evaluated: 2017-04-27. Review status: criteria provided, single submitter. Criteria: ICSL Variant Classification Criteria 13 December 2019. Collection method: clinical testing. Allele origin: germline.
Comment: the same text as in the submission from Illumina Laboratory Services, Illumina above.

Illumina Laboratory Services, Illumina
Classification: Benign for Bardet-Biedl syndrome 14. Last evaluated: 2017-04-27. Review status: criteria provided, single submitter. Criteria: ICSL Variant Classification Criteria 13 December 2019. Collection method: clinical testing. Allele origin: germline.
Comment: the same text as in the submission from Illumina Laboratory Services, Illumina above.

Illumina Laboratory Services, Illumina
Classification: Likely benign for Meckel syndrome, type 4. Last evaluated: 2017-04-27. Review status: criteria provided, single submitter. Criteria: ICSL Variant Classification Criteria 13 December 2019. Collection method: clinical testing. Allele origin: germline.
Comment: This variant was observed as part of a predisposition screen in an ostensibly healthy population. A literature search was performed for the gene, cDNA change, and amino acid change (where applicable). No publications were found based on this search. Allele frequency data from public databases allowed determination this variant is unlikely to cause disease. Therefore, this variant is classified as likely benign.

Illumina Laboratory Services, Illumina
Classification: Benign for Joubert syndrome 5. Last evaluated: 2017-04-27. Review status: criteria provided, single submitter. Criteria: ICSL Variant Classification Criteria 13 December 2019. Collection method: clinical testing. Allele origin: germline.
Comment: the same text as in the submission from Illumina Laboratory Services, Illumina above.

GeneDx
Classification: Benign. Last evaluated: 2014-03-21. Review status: criteria provided, single submitter. Criteria: GeneDx Variant Classification (06012015). Collection method: clinical testing. Allele origin: germline. Affected: yes.
Comment: This variant is considered likely benign or benign based on one or more of the following criteria: it is a conservative change, it occurs at a poorly conserved position in the protein, it is predicted to be benign by multiple in silico algorithms, and/or has population frequency not consistent with disease.

Breakthrough Genomics
Classification: Likely benign. Review status: criteria provided, single submitter. Criteria: ACMG Guidelines, 2015. Collection method: not provided. Allele origin: germline. Inheritance: Autosomal recessive inheritance. Affected: yes.

PreventionGenetics, part of Exact Sciences
Classification: Benign. Review status: criteria provided, single submitter. Criteria: ACMG Guidelines, 2015. Collection method: clinical testing. Allele origin: germline.

NEI Ophthalmic Genomics Laboratory, National Institutes of Health
No classification provided. Review status: no classification provided. Collection method: not provided. Allele origin: not provided. Not counted in ClinVar's aggregate classification.